The following is an entry in ClinVar:

NM_000482.4(APOA4):c.259C>A (p.Leu87Met)

Gene: APOA4 (apolipoprotein A4; minus strand). Cytogenetic location: 11q23.3.
Variant type: single nucleotide variant.
Coding change: c.259C>A on transcript NM_000482.4 (MANE Select); coding-DNA position 259, C replaced by A.
Protein change: p.Leu87Met; replaces leucine 87 with methionine.
Molecular consequence: missense variant.
Genome position (GRCh38, 1-based): chr11:116,821,799, G>T on the plus strand (C>A on the coding strand, the complement: APOA4 is on the minus strand). VCF-style: chr11-116821799-G-T. GRCh37 (hg19) VCF-style: chr11-116692515-G-T.
Other names: short protein forms L87M.
Identifiers: ClinVar variation 3620780 (VCV003620780.2).
Genomic context (GRCh38, chr11:116,821,799, plus strand): 5'-CCAGCTCCTTCCCAATCTCCTCCTTCAGTTTCTCCGAGTCCTTGGCCAGGCGTTCATGCA[G>T]CTCGGTGGCAAAGGGCACCAGCTTCTTCTGCAGGTCACCTGCGTAAGTGTTCACTTCTCC-3'
Protein context (NP_000473.2, residues 77-97): QKKLVPFATE[Leu87Met]HERLAKDSEK

ClinVar aggregate classification (germline): Uncertain significance (1 of 4 stars; one submission).

Submission:

Labcorp Genetics (formerly Invitae), Labcorp
Classification: Uncertain significance. Last evaluated: 2025-01-14. Review status: criteria provided, single submitter. Criteria: Invitae Variant Classification Sherloc (09022015). Collection method: clinical testing. Allele origin: germline.
Comment: This sequence change replaces leucine, which is neutral and non-polar, with methionine, which is neutral and non-polar, at codon 87 of the APOA4 protein (p.Leu87Met). This variant is not present in population databases (gnomAD no frequency). This variant has not been reported in the literature in individuals affected with APOA4-related conditions. Invitae Evidence Modeling of protein sequence and biophysical properties (such as structural, functional, and spatial information, amino acid conservation, physicochemical variation, residue mobility, and thermodynamic stability) indicates that this missense variant is expected to disrupt APOA4 protein function with a positive predictive value of 80%. In summary, the available evidence is currently insufficient to determine the role of this variant in disease. Therefore, it has been classified as a Variant of Uncertain Significance.